The following is an entry in ClinVar:

NM_000384.3(APOB):c.6015T>G (p.Ile2005Met)

Gene: APOB (apolipoprotein B; minus strand). Cytogenetic location: 2p24.1.
Variant type: single nucleotide variant.
Coding change: c.6015T>G on transcript NM_000384.3 (MANE Select); coding-DNA position 6015, T replaced by G.
Protein change: p.Ile2005Met; replaces isoleucine 2005 with methionine.
Molecular consequence: missense variant.
Genome position (GRCh38, 1-based): chr2:21,010,853, A>C on the plus strand (T>G on the coding strand, the complement: APOB is on the minus strand). VCF-style: chr2-21010853-A-C. GRCh37 (hg19) VCF-style: chr2-21233725-A-C.
Other names: short protein forms I2005M.
Identifiers: ClinVar variation 3416377 (VCV003416377.1).

ClinVar aggregate classification (germline): Uncertain significance (1 of 4 stars; one submission).

Conditions:
Cardiovascular phenotype. Identifiers: MedGen CN230736.

Submission:

Ambry Genetics
Classification: Uncertain significance for Cardiovascular phenotype. Last evaluated: 2024-11-17. Review status: criteria provided, single submitter. Criteria: Ambry Variant Classification Scheme 2023. Collection method: clinical testing. Allele origin: germline.
Comment: The p.I2005M variant (also known as c.6015T>G), located in coding exon 26 of the APOB gene, results from a T to G substitution at nucleotide position 6015. The isoleucine at codon 2005 is replaced by methionine, an amino acid with highly similar properties. This amino acid position is conserved. In addition, this alteration is predicted to be tolerated by in silico analysis. Based on the available evidence, the clinical significance of this variant remains unclear.